The following is an entry in ClinVar:

NM_005896.4(IDH1):c.566T>C (p.Ile189Thr)

Gene: IDH1 (isocitrate dehydrogenase (NADP(+)) 1; minus strand). Cytogenetic location: 2q34.
Variant type: single nucleotide variant.
Coding change: c.566T>C on transcript NM_005896.4 (MANE Select); coding-DNA position 566, T replaced by C.
Protein change: p.Ile189Thr; replaces isoleucine 189 with threonine.
Molecular consequence: missense variant.
Genome position (GRCh38, 1-based): chr2:208,243,559, A>G on the plus strand (T>C on the coding strand, the complement: IDH1 is on the minus strand). VCF-style: chr2-208243559-A-G. GRCh37 (hg19) VCF-style: chr2-209108283-A-G.
Other names: c.566T>C, p.Ile189Thr (NM_001282386.1, NM_001282387.1); short protein forms I189T.
Identifiers: ClinVar variation 1748969 (VCV001748969.3), dbSNP rs2469022218, ClinGen allele CA350099562.

ClinVar aggregate classification (germline): Uncertain significance (1 of 4 stars; one submission).

Allele frequency attached by ClinVar (database versions not stated): gnomAD exomes below 0.00001.
gnomAD v4.1: 2 of 1,614,082 alleles (0.00012%); highest among the groups gnomAD compares: Non-Finnish European, 0.00017%; no homozygotes.

Submission:

Ambry Genetics
Classification: Uncertain significance. Last evaluated: 2024-09-10. Review status: criteria provided, single submitter. Criteria: Ambry Variant Classification Scheme 2023. Collection method: clinical testing. Allele origin: germline.
Comment: The p.I189T variant (also known as c.566T>C), located in coding exon 4 of the IDH1 gene, results from a T to C substitution at nucleotide position 566. The isoleucine at codon 189 is replaced by threonine, an amino acid with similar properties. This amino acid position is conserved. In addition, this alteration is predicted to be deleterious by in silico analysis. Since supporting evidence is limited at this time, the clinical significance of this alteration remains unclear.